The following is an entry in ClinVar:

NM_007294.4(BRCA1):c.2295G>C (p.Glu765Asp)

Gene: BRCA1 (BRCA1 DNA repair associated; minus strand). Cytogenetic location: 17q21.31.
Variant type: single nucleotide variant.
Coding change: c.2295G>C on transcript NM_007294.4 (MANE Select); coding-DNA position 2295, G replaced by C.
Protein change: p.Glu765Asp; replaces glutamic acid 765 with aspartic acid.
Molecular consequence: missense variant. On other transcripts: intron variant (137).
Genome position (GRCh38, 1-based): chr17:43,093,236, C>G on the plus strand (G>C on the coding strand, the complement: BRCA1 is on the minus strand). VCF-style: chr17-43093236-C-G. GRCh37 (hg19) VCF-style: chr17-41245253-C-G.
Other names: c.2031G>C, p.Glu677Asp (NM_001407922.1, NM_001407923.1, NM_001407935.1 and 9 more transcripts); c.2028G>C, p.Glu676Asp (NM_001407934.1, NM_001407936.1, NM_001407930.1 and 2 more transcripts); c.2169G>C, p.Glu723Asp (NM_001407940.1, NM_001407649.1, NM_001407670.1 and 11 more transcripts); c.2172G>C, p.Glu724Asp (NM_001407937.1, NM_001407938.1, NM_001407939.1 and 19 more transcripts); c.2295G>C, p.Glu765Asp (NM_001407605.1, NM_001407616.1, NM_001407617.1 and 30 more transcripts); c.2292G>C, p.Glu764Asp (NM_001407610.1, NM_001407611.1, NM_001407612.1 and 22 more transcripts); c.2217G>C, p.Glu739Asp (NM_001407653.1, NM_001407654.1, NM_001407655.1 and 4 more transcripts); c.2214G>C, p.Glu738Asp (NM_001407659.1, NM_001407660.1, NM_001407661.1 and 1 more transcripts); and 41 more; short protein forms E717D, E723D, E762D, E469D, E653D, E698D, E724D, E597D.
Identifiers: ClinVar variation 3992593 (VCV003992593.2).

ClinVar aggregate classification (germline): Conflicting classifications of pathogenicity. Review status: criteria provided, conflicting classifications (1 of 4 stars). 2 submissions from 2 submitters: Uncertain significance (1); Likely benign (1). Last evaluated 2025-04-11.

Conditions:
Hereditary cancer-predisposing syndrome. Also called: Tumor predisposition; Hereditary neoplastic syndrome; Neoplastic Syndromes, Hereditary; Hereditary Cancer Syndrome. Identifiers: Orphanet 140162, MedGen C0027672, MeSH D009386, MONDO:0015356.

Submissions (2):

Ambry Genetics
Classification: Uncertain significance for Hereditary cancer-predisposing syndrome. Last evaluated: 2025-04-11. Review status: criteria provided, single submitter. Criteria: Ambry Variant Classification Scheme 2023. Collection method: clinical testing. Allele origin: germline.
Comment: The p.E765D variant (also known as c.2295G>C), located in coding exon 9 of the BRCA1 gene, results from a G to C substitution at nucleotide position 2295. The glutamic acid at codon 765 is replaced by aspartic acid, an amino acid with highly similar properties. This amino acid position is well conserved in available vertebrate species. In addition, the in silico prediction for this alteration is inconclusive. Based on the available evidence, the clinical significance of this variant remains unclear.

Molecular Diagnostics Laboratory, Catalan Institute of Oncology
Classification: Likely benign for Hereditary cancer-predisposing syndrome. Last evaluated: 2025-04-09. Review status: criteria provided, single submitter. Criteria: ClinGen BRCA1BRCA2 ACMG Specifications BRCA1 V1.0.0. Collection method: clinical testing. Allele origin: germline.
Comment: PM2_supporting, BP1_strong c.2295G>C, located in exon 10 of the BRCA1 gene, is predicted to result in the substitution of Glutamic Acid by Aspartic Acid at codon 765, p.(Glu765Asp). This position is outside a (potentially) clinically important functional domain and, moreover, the SpliceAI algorithm predicts no significant impact on splicing (BP1_strong). It is not present in the population database gnomAD v2.1.1, non cancer dataset (PM2_supporting). To our knowledge, neither multifactorial analysis nor well-stablished functional studies have been reported for this variant. Also, the variant has not been reported neither in ClinVar, BRCAExchange nor in LOVD databases. Based on currently available information, the variant c.2295G>C is classified as a likely benign variant according to ClinGen- BRCA1 Guidelines version 1.0.0.